The following is an entry in ClinVar:

ClinVar aggregate classification (germline): Pathogenic (1 of 4 stars; one submission).

Conditions:
Hereditary cancer-predisposing syndrome. Also called: Hereditary neoplastic syndrome; Neoplastic Syndromes, Hereditary; Tumor predisposition; Hereditary Cancer Syndrome. Identifiers: Orphanet 140162, MedGen C0027672, MeSH D009386, MONDO:0015356.

Submission:

Ambry Genetics
Classification: Pathogenic for Hereditary cancer-predisposing syndrome. Last evaluated: 2025-08-28. Review status: criteria provided, single submitter. Criteria: Ambry Variant Classification Scheme 2023. Collection method: clinical testing. Allele origin: germline.
Comment: The c.1849_1852delCCCT pathogenic mutation, located in coding exon 14 of the PTCH1 gene, results from a deletion of 4 nucleotides at nucleotide positions 1849 to 1852, causing a translational frameshift with a predicted alternate stop codon (p.P617Afs*5). This variant is considered to be rare based on population cohorts in the Genome Aggregation Database (gnomAD). This alteration is expected to result in loss of function by premature protein truncation or nonsense-mediated mRNA decay. As such, this alteration is interpreted as a disease-causing mutation.

NM_000264.5(PTCH1):c.1849_1852del (p.Pro617fs)

Genes: PTCH1 (patched 1; minus strand), LOC100507346 (uncharacterized LOC100507346; plus strand). Cytogenetic location: 9q22.32.
Variant type: Deletion.
Coding change: c.1849_1852del on transcript NM_000264.5 (MANE Select); coding-DNA positions 1849 to 1852, 4 bases deleted (CCCT; older notation c.1849_1852delCCCT).
Protein change: p.Pro617fs; shifts the reading frame from proline 617.
Molecular consequence: frameshift variant. On other transcripts: non-coding transcript variant (2).
Genome position (GRCh38, 1-based): chr9:95,469,149-95,469,152, AGGG deleted on the plus strand (CCCT on the coding strand, the reverse complement: PTCH1 is on the minus strand). VCF-style (leftmost placement, unchanged base first): chr9-95469148-CAGGG-C. GRCh37 (hg19) VCF-style: chr9-98231430-CAGGG-C.
Other names: c.1651_1654del, p.Pro551fs (NM_001083602.3); c.1846_1849del, p.Pro616fs (NM_001083603.3); c.1396_1399del, p.Pro466fs (NM_001083604.3, NM_001083605.3, NM_001083606.3 and 1 more transcripts); c.1693_1696del, p.Pro565fs (NM_001354918.2); short protein forms P551fs, P617fs, P616fs, P466fs, P565fs.
Identifiers: ClinVar variation 4146883 (VCV004146883.1).